The following is an entry in ClinVar:

ClinVar aggregate classification (germline): Likely benign (1 of 4 stars; one submission).

Conditions:
Juvenile polyposis syndrome (JPS). Identifiers: Orphanet 2929, MedGen C0345893, MONDO:0017380, OMIM 174900.

Submission:

Myriad Genetics, Inc.
Classification: Likely benign for Juvenile polyposis syndrome. Last evaluated: 2024-08-01. Review status: criteria provided, single submitter. Criteria: Myriad Autosomal Dominant, Autosomal Recessive and X-Linked Classification Criteria (2023). Collection method: clinical testing. Allele origin: unknown.
Comment: This variant is considered likely benign. This variant is intronic and is not expected to impact mRNA splicing.

NM_004329.3(BMPR1A):c.531-19T>C

Gene: BMPR1A (bone morphogenetic protein receptor type 1A; plus strand). Cytogenetic location: 10q23.2.
Variant type: single nucleotide variant.
Coding change: c.531-19T>C on transcript NM_004329.3 (MANE Select); 19 bases into the intron before coding-DNA position 531, T replaced by C.
Molecular consequence: intron variant.
Genome position (GRCh38, 1-based): chr10:86,912,221, T>C. VCF-style: chr10-86912221-T-C. GRCh37 (hg19) VCF-style: chr10-88671978-T-C.
Other names: c.531-19T>C (NM_001406562.1, NM_001406568.1, NM_001406567.1 and 20 more transcripts); c.447-19T>C (NM_001406584.1, NM_001406588.1, NM_001406587.1 and 2 more transcripts); c.579-19T>C (NM_001406560.1); c.606-19T>C (NM_001406559.1); c.334-4913T>C (NM_001406589.1).
Identifiers: ClinVar variation 3378634 (VCV003378634.1).